The following is an entry in ClinVar:

NM_001083962.2(TCF4):c.124A>G (p.Ser42Gly)

Gene: TCF4 (transcription factor 4; minus strand). Cytogenetic location: 18q21.2.
Variant type: single nucleotide variant.
Coding change: c.124A>G on transcript NM_001083962.2 (MANE Select); coding-DNA position 124, A replaced by G.
Protein change: p.Ser42Gly; replaces serine 42 with glycine.
Molecular consequence: missense variant.
Genome position (GRCh38, 1-based): chr18:55,585,301, T>C on the plus strand (A>G on the coding strand, the complement: TCF4 is on the minus strand). VCF-style: chr18-55585301-T-C. GRCh37 (hg19) VCF-style: chr18-53252532-T-C.
Other names: p.S42G:AGT>GGT; c.52A>G, p.Ser18Gly (NM_001306207.1, NM_001348217.1, NM_001348218.2 and 15 more transcripts); c.124A>G, p.Ser42Gly (NM_001330604.3, NM_001369567.1, NM_001369568.1 and 8 more transcripts); c.430A>G, p.Ser144Gly (NM_001243226.3); c.118A>G, p.Ser40Gly (NM_001243230.2); short protein forms S42G, S18G, S40G, S144G.
Identifiers: ClinVar variation 207539 (VCV000207539.3), dbSNP rs796053423, ClinGen allele CA319113.

ClinVar aggregate classification (germline): Uncertain significance. Review status: criteria provided, multiple submitters, no conflicts (2 of 4 stars). 2 submissions from 2 submitters: Uncertain significance (2). Last evaluated 2018-08-22.

Conditions:
Pitt-Hopkins syndrome (PTHS). Also called: ENCEPHALOPATHY, SEVERE EPILEPTIC, WITH AUTONOMIC DYSFUNCTION; MENTAL RETARDATION, SYNDROMAL, WITH INTERMITTENT HYPERVENTILATION. Identifiers: Orphanet 2896, MedGen C1970431, MONDO:0012589, OMIM 610954.

Submissions (2):

Baylor Genetics
Classification: Uncertain significance for Pitt-Hopkins syndrome. Last evaluated: 2018-08-22. Review status: criteria provided, single submitter. Criteria: ACMG Guidelines, 2015. Collection method: clinical testing. Allele origin: paternal. Affected: yes.
Comment: This variant was determined to be of uncertain significance according to ACMG Guidelines, 2015 [PMID:25741868].

GeneDx
Classification: Uncertain significance. Last evaluated: 2014-02-06. Review status: criteria provided, single submitter. Criteria: GeneDx Variant Classification (06012015). Collection method: clinical testing. Allele origin: germline. Affected: yes.
Comment: p.Ser42Gly (AGT>GGT): c.124 A>G in exon 3 of the TCF4 gene (NM_001083962.1). The Ser42Gly missense change in the TCF4 gene has not been published as a mutation, nor has it been reported as a benign polymorphism to our knowledge. It was not observed in approximately 6,500 individuals of European and African American ancestry in the NHLBI Exome Sequencing Project, indicating it is not a common benign variant in these populations. This variant is a non-conservative amino acid substitution of a polar Serine residue with a non-polar Glycine residue at a position that is conserved across species. However, in silico analysis predicts this variant likely has a benign effect on the protein structure/function. Therefore, based on the currently available information, it is unclear whether Ser42Gly is a disease-causing mutation or a rare benign variant. The variant is found in EPILEPSY panel(s).